The following is an entry in ClinVar:

ClinVar aggregate classification (germline): Uncertain significance (1 of 4 stars; one submission).

Conditions:
Charcot-Marie-Tooth disease type 2. Also called: Charcot-Marie-Tooth type 2. Identifiers: Orphanet 64746, MedGen C0270914, MONDO:0018993.

Allele frequency attached by ClinVar (database versions not stated): ExAC 0.00001; gnomAD exomes 0.00001.
gnomAD v4.1: 12 of 1,614,076 alleles (0.00074%); highest among the groups gnomAD compares: Non-Finnish European, 0.001%; no homozygotes.

Submission:

Labcorp Genetics (formerly Invitae), Labcorp
Classification: Uncertain significance for Charcot-Marie-Tooth disease type 2. Last evaluated: 2022-05-30. Review status: criteria provided, single submitter. Criteria: Invitae Variant Classification Sherloc (09022015). Collection method: clinical testing. Allele origin: germline.
Comment: This variant is present in population databases (rs747782282, gnomAD 0.002%). This sequence change replaces tryptophan, which is neutral and slightly polar, with arginine, which is basic and polar, at codon 810 of the AARS protein (p.Trp810Arg). This variant has not been reported in the literature in individuals affected with AARS-related conditions. Algorithms developed to predict the effect of missense changes on protein structure and function are either unavailable or do not agree on the potential impact of this missense change (SIFT: "Deleterious"; PolyPhen-2: "Probably Damaging"; Align-GVGD: "Class C0"). In summary, the available evidence is currently insufficient to determine the role of this variant in disease. Therefore, it has been classified as a Variant of Uncertain Significance.

NM_001605.3(AARS1):c.2428T>C (p.Trp810Arg)

Gene: AARS1 (alanyl-tRNA synthetase 1; minus strand). Cytogenetic location: 16q22.1.
Variant type: single nucleotide variant.
Coding change: c.2428T>C on transcript NM_001605.3 (MANE Select); coding-DNA position 2428, T replaced by C.
Protein change: p.Trp810Arg; replaces tryptophan 810 with arginine.
Molecular consequence: missense variant.
Genome position (GRCh38, 1-based): chr16:70,254,011, A>G on the plus strand (T>C on the coding strand, the complement: AARS1 is on the minus strand). VCF-style: chr16-70254011-A-G. GRCh37 (hg19) VCF-style: chr16-70287914-A-G.
Other names: short protein forms W810R.
Identifiers: ClinVar variation 2167801 (VCV002167801.4), dbSNP rs747782282, ClinGen allele CA8140412.
Genomic context (GRCh38, chr16:70,254,011, plus strand): 5'-CCAAGTCATCCATGACCTTCTTTAGGGATTTGAGAGTCTCCCGCAATTCATCCTTCTGCC[A>G]CTGGGGGATGACTGCAGTGGCCAGGGCCTGGAACCAATAGACGACCATCTCAATCTGGGC-3'
Protein context (NP_001596.2, residues 800-820): EALATAVIPQ[Trp810Arg]QKDELRETLK